The following is an entry in ClinVar:

ClinVar aggregate classification (germline): Conflicting classifications of pathogenicity. Review status: criteria provided, conflicting classifications (1 of 4 stars). 3 submissions from 3 submitters: Uncertain significance (2); Likely benign (1). Last evaluated 2026-06-01.

Conditions:
Familial hypobetalipoproteinemia 1. Also called: Hypobetalipoproteinemia, normotriglyceridemic; Acanthocytosis with hypobetalipoproteinemia; APOB-Related Familial Hypobetalipoproteinemia. Identifiers: MedGen C4551990, MONDO:0014252, OMIM 615558.
Hypercholesterolemia, autosomal dominant, type B (FHCL2). Also called: Familial Hypercholesterolemia Type B; APOLIPOPROTEIN B-100, FAMILIAL DEFECTIVE; APOLIPOPROTEIN B-100, FAMILIAL LIGAND-DEFECTIVE; HYPERCHOLESTEROLEMIA, FAMILIAL, DUE TO LIGAND-DEFECTIVE APOLIPOPROTEIN B; Familial hypercholesterolemia 2; APOB-Related Familial Hypercholesterolemia, Autosomal Dominant. Identifiers: MedGen C1704417, MONDO:0007751, OMIM 144010.
Cardiovascular phenotype. Identifiers: MedGen CN230736.

Allele frequency attached by ClinVar (database versions not stated): gnomAD exomes 0.00001 and 0.00002; ExAC 0.00003.
gnomAD v4.1: 10 of 1,614,132 alleles (0.00062%); highest among the groups gnomAD compares: Non-Finnish European, 0.00076%; no homozygotes.

Submissions (3):

Ambry Genetics
Classification: Uncertain significance for Cardiovascular phenotype. Last evaluated: 2026-06-01. Review status: criteria provided, single submitter. Criteria: Ambry Variant Classification Scheme 2023. Collection method: clinical testing. Allele origin: germline.
Comment: The p.S2031T variant (also known as c.6092G>C), located in coding exon 26 of the APOB gene, results from a G to C substitution at nucleotide position 6092. The serine at codon 2031 is replaced by threonine, an amino acid with similar properties. This amino acid position is conserved. In addition, this alteration is predicted to be tolerated by in silico analysis. Based on the available evidence, the clinical significance of this variant remains unclear.

Labcorp Genetics (formerly Invitae), Labcorp
Classification: Likely benign for Familial hypobetalipoproteinemia 1; Hypercholesterolemia, autosomal dominant, type B. Last evaluated: 2023-07-07. Review status: criteria provided, single submitter. Criteria: Invitae Variant Classification Sherloc (09022015). Collection method: clinical testing. Allele origin: germline.

Fulgent Genetics
Classification: Uncertain significance for Hypercholesterolemia, autosomal dominant, type B; Familial hypobetalipoproteinemia 1. Last evaluated: 2021-07-20. Review status: criteria provided, single submitter. Criteria: ACMG Guidelines, 2015. Collection method: clinical testing. Allele origin: unknown.

NM_000384.3(APOB):c.6092G>C (p.Ser2031Thr)

Gene: APOB (apolipoprotein B; minus strand). Cytogenetic location: 2p24.1.
Variant type: single nucleotide variant.
Coding change: c.6092G>C on transcript NM_000384.3 (MANE Select); coding-DNA position 6092, G replaced by C.
Protein change: p.Ser2031Thr; replaces serine 2031 with threonine.
Molecular consequence: missense variant.
Genome position (GRCh38, 1-based): chr2:21,010,776, C>G on the plus strand (G>C on the coding strand, the complement: APOB is on the minus strand). VCF-style: chr2-21010776-C-G. GRCh37 (hg19) VCF-style: chr2-21233648-C-G.
Other names: short protein forms S2031T.
Identifiers: ClinVar variation 404411 (VCV000404411.13), dbSNP rs776946940, ClinGen allele CA062865.